The following is an entry in ClinVar:

NM_001077350.3(NPRL3):c.1243T>C (p.Ser415Pro)

Genes: HBA-LCR (alpha-globin locus control region; plus strand), NPRL3 (NPR3 like, GATOR1 complex subunit; minus strand). Cytogenetic location: 16p13.3.
Variant type: single nucleotide variant.
Coding change: c.1243T>C on transcript NM_001077350.3 (MANE Select); coding-DNA position 1243, T replaced by C.
Protein change: p.Ser415Pro; replaces serine 415 with proline.
Molecular consequence: missense variant.
Genome position (GRCh38, 1-based): chr16:89,821, A>G on the plus strand (T>C on the coding strand, the complement: NPRL3 is on the minus strand). VCF-style: chr16-89821-A-G. GRCh37 (hg19) VCF-style: chr16-139819-A-G.
Other names: c.706T>C, p.Ser236Pro (NM_001039476.3); c.1009T>C, p.Ser337Pro (NM_001243247.2); c.1168T>C, p.Ser390Pro (NM_001243248.2, NM_001243249.2); short protein forms S390P, S415P, S337P, S236P.
Identifiers: ClinVar variation 476217 (VCV000476217.14), dbSNP rs546525405, ClinGen allele CA7769405.

ClinVar aggregate classification (germline): Uncertain significance. Review status: criteria provided, multiple submitters, no conflicts (2 of 4 stars). 3 submissions from 3 submitters: Uncertain significance (3). Last evaluated 2025-08-20.

Conditions:
Inborn genetic diseases. Identifiers: MedGen C0950123, MeSH D030342.
Epilepsy, familial focal, with variable foci 3 (FFEVF3). Identifiers: MedGen C4310708, MONDO:0014925, OMIM 617118.

Allele frequency attached by ClinVar (database versions not stated): gnomAD exomes 0.00001; 1000 Genomes Project 30x 0.00016; ExAC 0.00002; gnomAD 0.00001; TOPMed 0.00002; 1000 Genomes Project 0.00020.
gnomAD v4.1: 21 of 1,587,960 alleles (0.0013%); highest among the groups gnomAD compares: South Asian, 0.0069%; no homozygotes.

Submissions (3):

Ambry Genetics
Classification: Uncertain significance for Inborn genetic diseases. Last evaluated: 2025-08-20. Review status: criteria provided, single submitter. Criteria: Ambry Variant Classification Scheme 2023. Collection method: clinical testing. Allele origin: germline.

Labcorp Genetics (formerly Invitae), Labcorp
Classification: Uncertain significance for Epilepsy, familial focal, with variable foci 3. Last evaluated: 2023-12-27. Review status: criteria provided, single submitter. Criteria: Invitae Variant Classification Sherloc (09022015). Collection method: clinical testing. Allele origin: germline.
Comment: This sequence change replaces serine, which is neutral and polar, with proline, which is neutral and non-polar, at codon 415 of the NPRL3 protein (p.Ser415Pro). The frequency data for this variant in the population databases is considered unreliable, as metrics indicate poor data quality at this position in the gnomAD database. This variant has not been reported in the literature in individuals affected with NPRL3-related conditions. ClinVar contains an entry for this variant (Variation ID: 476217). Advanced modeling of protein sequence and biophysical properties (such as structural, functional, and spatial information, amino acid conservation, physicochemical variation, residue mobility, and thermodynamic stability) performed at Invitae indicates that this missense variant is not expected to disrupt NPRL3 protein function with a negative predictive value of 80%. In summary, the available evidence is currently insufficient to determine the role of this variant in disease. Therefore, it has been classified as a Variant of Uncertain Significance.

Baylor Genetics
Classification: Uncertain significance for Epilepsy, familial focal, with variable foci 3. Last evaluated: 2018-07-31. Review status: criteria provided, single submitter. Criteria: ACMG Guidelines, 2015. Collection method: clinical testing. Allele origin: maternal. Affected: yes.
Comment: This variant was determined to be of uncertain significance according to ACMG Guidelines, 2015 [PMID:25741868].